The following is an entry in ClinVar:

ClinVar aggregate classification (germline): Uncertain significance (1 of 4 stars; one submission).

Conditions:
Naxos disease (NXD). Also called: KERATOSIS PALMOPLANTARIS WITH ARRHYTHMOGENIC CARDIOMYOPATHY; MAL DE NAXOS; PALMOPLANTAR KERATODERMA WITH ARRHYTHMOGENIC RIGHT VENTRICULAR CARDIOMYOPATHY AND WOOLLY HAIR; WOOLLY HAIR, PALMOPLANTAR KERATODERMA, AND CARDIAC ABNORMALITIES; CARDIOMYOPATHY, ARRHYTHMOGENIC RIGHT VENTRICULAR, WITH SKIN, HAIR, AND NAIL ABNORMALITIES. Identifiers: Orphanet 34217, MedGen C1832600, MONDO:0011017, OMIM 601214.
Arrhythmogenic right ventricular dysplasia 12. Also called: ARRHYTHMOGENIC RIGHT VENTRICULAR DYSPLASIA, FAMILIAL, 12. Identifiers: MedGen C1969081, MONDO:0012684, OMIM 611528.

gnomAD v4.1: 2 of 1,612,692 alleles (0.00012%); highest among the groups gnomAD compares: Admixed American, 0.0033%; no homozygotes.

Submission:

Labcorp Genetics (formerly Invitae), Labcorp
Classification: Uncertain significance for Arrhythmogenic right ventricular dysplasia 12; Naxos disease. Last evaluated: 2024-10-05. Review status: criteria provided, single submitter. Criteria: Invitae Variant Classification Sherloc (09022015). Collection method: clinical testing. Allele origin: germline.
Comment: This sequence change replaces serine, which is neutral and polar, with proline, which is neutral and non-polar, at codon 125 of the JUP protein (p.Ser125Pro). The frequency data for this variant in the population databases is considered unreliable, as metrics indicate poor data quality at this position in the gnomAD database. This variant has not been reported in the literature in individuals affected with JUP-related conditions. An algorithm developed to predict the effect of missense changes on protein structure and function (PolyPhen-2) suggests that this variant is likely to be tolerated. In summary, the available evidence is currently insufficient to determine the role of this variant in disease. Therefore, it has been classified as a Variant of Uncertain Significance.

NM_002230.4(JUP):c.373T>C (p.Ser125Pro)

Gene: JUP (junction plakoglobin; minus strand). Cytogenetic location: 17q21.2.
Variant type: single nucleotide variant.
Coding change: c.373T>C on transcript NM_002230.4 (MANE Select); coding-DNA position 373, T replaced by C.
Protein change: p.Ser125Pro; replaces serine 125 with proline.
Molecular consequence: missense variant.
Genome position (GRCh38, 1-based): chr17:41,769,513, A>G on the plus strand (T>C on the coding strand, the complement: JUP is on the minus strand). VCF-style: chr17-41769513-A-G. GRCh37 (hg19) VCF-style: chr17-39925765-A-G.
Other names: c.373T>C, p.Ser125Pro (NM_001352773.2, NM_001352774.2, NM_001352775.2 and 3 more transcripts); short protein forms S125P.
Identifiers: ClinVar variation 3748255 (VCV003748255.2).
Genomic context (GRCh38, chr17:41,769,513, plus strand): 5'-GCAGGGCGCGAGTGGCCAGCTCGGCATCGTCCTGGTAGTTGATGAGATGCACAATGGCCG[A>G]CTTGAGCAGCTGGGACGGCTCGGCCAGTCGCTGCAGGTTGGTGGCCTGCCCCTCCACCTG-3'
Protein context (NP_002221.1, residues 115-135): RLAEPSQLLK[Ser125Pro]AIVHLINYQD